The following is an entry in ClinVar:

ClinVar aggregate classification (germline): Uncertain significance (1 of 4 stars; one submission).

Conditions:
Cardiovascular phenotype. Identifiers: MedGen CN230736.

Submission:

Ambry Genetics
Classification: Uncertain significance for Cardiovascular phenotype. Last evaluated: 2025-04-14. Review status: criteria provided, single submitter. Criteria: Ambry Variant Classification Scheme 2023. Collection method: clinical testing. Allele origin: germline.
Comment: The p.P665T variant (also known as c.1993C>A), located in coding exon 10 of the PKP2 gene, results from a C to A substitution at nucleotide position 1993. The proline at codon 665 is replaced by threonine, an amino acid with highly similar properties. This amino acid position is conserved. In addition, the in silico prediction for this alteration is inconclusive. Based on the available evidence, the clinical significance of this variant remains unclear.

NM_001005242.3(PKP2):c.1861C>A (p.Pro621Thr)

Gene: PKP2 (plakophilin 2; minus strand). Cytogenetic location: 12p11.21.
Variant type: single nucleotide variant.
Coding change: c.1861C>A on transcript NM_001005242.3 (MANE Select); coding-DNA position 1861, C replaced by A.
Protein change: p.Pro621Thr; replaces proline 621 with threonine.
Molecular consequence: missense variant.
Genome position (GRCh38, 1-based): chr12:32,821,508, G>T on the plus strand (C>A on the coding strand, the complement: PKP2 is on the minus strand). VCF-style: chr12-32821508-G-T. GRCh37 (hg19) VCF-style: chr12-32974442-G-T.
Other names: c.1861C>A, p.Pro621Thr (NM_001407155.1, NM_001407161.1); c.1696C>A, p.Pro566Thr (NM_001407156.1); c.1993C>A, p.Pro665Thr (NM_001407157.1, NM_004572.4); c.1534C>A, p.Pro512Thr (NM_001407158.1, NM_001407159.1, NM_001407160.1 and 1 more transcripts); short protein forms P512T, P665T, P621T, P566T.
Identifiers: ClinVar variation 3933316 (VCV003933316.1).